The following is an entry in ClinVar:

ClinVar aggregate classification (germline): Uncertain significance (1 of 4 stars; one submission).

Conditions:
Developmental and epileptic encephalopathy. Identifiers: MedGen C5779964, MONDO:0100620.

Allele frequency attached by ClinVar (database versions not stated): TOPMed below 0.00001.

Submission:

Labcorp Genetics (formerly Invitae), Labcorp
Classification: Uncertain significance for Early-infantile DEE. Last evaluated: 2021-09-01. Review status: criteria provided, single submitter. Criteria: Invitae Variant Classification Sherloc (09022015). Collection method: clinical testing. Allele origin: germline.
Comment: This sequence change replaces threonine with arginine at codon 829 of the CACNA2D2 protein (p.Thr829Arg). The threonine residue is highly conserved and there is a moderate physicochemical difference between threonine and arginine. This variant is not present in population databases (ExAC no frequency). This variant has not been reported in the literature in individuals affected with CACNA2D2-related conditions. Algorithms developed to predict the effect of missense changes on protein structure and function are either unavailable or do not agree on the potential impact of this missense change (SIFT: "Deleterious"; PolyPhen-2: "Benign"; Align-GVGD: "Class C0"). In summary, the available evidence is currently insufficient to determine the role of this variant in disease. Therefore, it has been classified as a Variant of Uncertain Significance.

NM_006030.4(CACNA2D2):c.2486C>G (p.Thr829Arg)

Genes: CACNA2D2 (calcium voltage-gated channel auxiliary subunit alpha2delta 2; minus strand), LOC101928965 (uncharacterized LOC101928965; plus strand), LOC127898564 (CYB561D2-LOC101928965; plus strand). Cytogenetic location: 3p21.31.
Variant type: single nucleotide variant.
Coding change: c.2486C>G on transcript NM_006030.4 (MANE Select); coding-DNA position 2486, C replaced by G.
Protein change: p.Thr829Arg; replaces threonine 829 with arginine.
Molecular consequence: missense variant.
Genome position (GRCh38, 1-based): chr3:50,367,025, G>C on the plus strand (C>G on the coding strand, the complement: CACNA2D2 is on the minus strand). VCF-style: chr3-50367025-G-C. GRCh37 (hg19) VCF-style: chr3-50404456-G-C.
Other names: c.2486C>G, p.Thr829Arg (NM_001005505.3); c.2507C>G, p.Thr836Arg (NM_001174051.3); c.2279C>G, p.Thr760Arg (NM_001291101.1); short protein forms T829R, T760R, T836R.
Identifiers: ClinVar variation 1040522 (VCV001040522.3), dbSNP rs1704341313, ClinGen allele CA352911551.